The following is an entry in ClinVar:

NM_000390.4(CHM):c.563_564del (p.Val188fs)

Gene: CHM (CHM Rab escort protein; minus strand). Cytogenetic location: Xq21.2.
Variant type: Microsatellite.
Coding change: c.563_564del on transcript NM_000390.4 (MANE Select); coding-DNA positions 563 to 564, 2 bases deleted (TG; older notation c.563_564delTG).
Protein change: p.Val188fs; shifts the reading frame from valine 188.
Molecular consequence: frameshift variant.
Genome position (GRCh38, 1-based): chrX:85,963,803-85,963,804, CA deleted on the plus strand (TG on the coding strand, the reverse complement: CHM is on the minus strand); deleting any 2 consecutive bases within chrX:85,963,803-85,963,808 gives the same sequence; the c. name uses the placement nearest the transcript's 3' end. VCF-style (leftmost placement, unchanged base first): chrX-85963802-GCA-G. GRCh37 (hg19) VCF-style: chrX-85218807-GCA-G.
Other names: c.119_120del, p.Val40fs (NM_001320959.1, NM_001362517.1, NM_001362518.2 and 1 more transcripts); short protein forms V40fs, V188fs.
Identifiers: ClinVar variation 2138626 (VCV002138626.4), dbSNP rs2520272466, ClinGen allele CA2580612437.

ClinVar aggregate classification (germline): Pathogenic (1 of 4 stars; one submission).

Submission:

Labcorp Genetics (formerly Invitae), Labcorp
Classification: Pathogenic. Last evaluated: 2022-12-02. Review status: criteria provided, single submitter. Criteria: Invitae Variant Classification Sherloc (09022015). Collection method: clinical testing. Allele origin: germline.
Comment: This sequence change creates a premature translational stop signal (p.Val188Alafs*10) in the CHM gene. It is expected to result in an absent or disrupted protein product. Loss-of-function variants in CHM are known to be pathogenic (PMID: 9067750, 23811034). For these reasons, this variant has been classified as Pathogenic. This premature translational stop signal has been observed in individual(s) with choroideremia (PMID: 27247961). This variant is not present in population databases (gnomAD no frequency).

Literature cited by the submitters: PubMed 9067750; PubMed 23811034; PubMed 27247961.